The following is an entry in ClinVar:

NM_024426.6(WT1):c.553T>G (p.Phe185Val)

Genes: WT1 (WT1 transcription factor; minus strand), LOC107982234 (WT1/WT1-AS bi-directional promoter region; plus strand). Cytogenetic location: 11p13.
Variant type: single nucleotide variant.
Coding change: c.553T>G on transcript NM_024426.6 (MANE Select); coding-DNA position 553, T replaced by G.
Protein change: p.Phe185Val; replaces phenylalanine 185 with valine.
Molecular consequence: missense variant. On other transcripts: non-coding transcript variant (2).
Genome position (GRCh38, 1-based): chr11:32,434,808, A>C on the plus strand (T>G on the coding strand, the complement: WT1 is on the minus strand). VCF-style: chr11-32434808-A-C. GRCh37 (hg19) VCF-style: chr11-32456354-A-C.
Other names: c.553T>G, p.Phe185Val (NM_000378.6, NM_001407044.1, NM_001407045.1 and 6 more transcripts); c.538T>G, p.Phe180Val (NM_024425.2); short protein forms F185V, F180V.
Identifiers: ClinVar variation 2939595 (VCV002939595.3), dbSNP rs2494477214, ClinGen allele CA379964689.

ClinVar aggregate classification (germline): Uncertain significance (1 of 4 stars; one submission).

Conditions:
Frasier syndrome. Identifiers: Orphanet 347, MedGen C0950122, MeSH D052159, MONDO:0007635, OMIM 136680.
Drash syndrome (DDS). Also called: NEPHROPATHY, WILMS TUMOR, AND GENITAL ANOMALIES; WILMS TUMOR AND PSEUDO- OR TRUE HERMAPHRODITISM. Identifiers: Orphanet 220, MedGen C0950121, MONDO:0008682, OMIM 194080.
Wilms tumor 1 (WT1). Also called: Wilms tumor, somatic. Identifiers: Orphanet 654, MedGen CN033288, MONDO:0008679, OMIM 194070.
11p partial monosomy syndrome (WAGR). Also called: CHROMOSOME 11p13 DELETION SYNDROME; WAGR syndrome; WAGR Complex; WAGR Spectrum Disorder. Identifiers: Orphanet 893, MedGen C0206115, MONDO:0008681, OMIM 194072.

Submission:

Labcorp Genetics (formerly Invitae), Labcorp
Classification: Uncertain significance for Wilms tumor 1; Drash syndrome; 11p partial monosomy syndrome; Frasier syndrome. Last evaluated: 2022-12-14. Review status: criteria provided, single submitter. Criteria: Invitae Variant Classification Sherloc (09022015). Collection method: clinical testing. Allele origin: germline.
Comment: This sequence change replaces phenylalanine, which is neutral and non-polar, with valine, which is neutral and non-polar, at codon 180 of the WT1 protein (p.Phe180Val). This variant is not present in population databases (gnomAD no frequency). This variant has not been reported in the literature in individuals affected with WT1-related conditions. Advanced modeling of protein sequence and biophysical properties (such as structural, functional, and spatial information, amino acid conservation, physicochemical variation, residue mobility, and thermodynamic stability) performed at Invitae indicates that this missense variant is expected to disrupt WT1 protein function. In summary, the available evidence is currently insufficient to determine the role of this variant in disease. Therefore, it has been classified as a Variant of Uncertain Significance.